The following is an entry in ClinVar:

NM_182914.3(SYNE2):c.12490C>G (p.Gln4164Glu)

Gene: SYNE2 (spectrin repeat containing nuclear envelope protein 2; plus strand). Cytogenetic location: 14q23.2.
Variant type: single nucleotide variant.
Coding change: c.12490C>G on transcript NM_182914.3 (MANE Select); coding-DNA position 12490, C replaced by G.
Protein change: p.Gln4164Glu; replaces glutamine 4164 with glutamic acid.
Molecular consequence: missense variant.
Genome position (GRCh38, 1-based): chr14:64,102,040, C>G. VCF-style: chr14-64102040-C-G. GRCh37 (hg19) VCF-style: chr14-64568758-C-G.
Other names: c.12490C>G, p.Gln4164Glu (NM_015180.6); short protein forms Q4164E.
Identifiers: ClinVar variation 3242116 (VCV003242116.1), dbSNP rs1223015485.

ClinVar aggregate classification (germline): Uncertain significance (1 of 4 stars; one submission).

Conditions:
Emery-Dreifuss muscular dystrophy 5, autosomal dominant (EDMD5). Also called: EMERY-DREIFUSS MUSCULAR DYSTROPHY 5. Identifiers: Orphanet 261, MedGen C2751805, MONDO:0013072, OMIM 612999.

Submission:

Neuberg Centre For Genomic Medicine, NCGM
Classification: Uncertain significance for Emery-Dreifuss muscular dystrophy 5, autosomal dominant. Review status: criteria provided, single submitter. Criteria: ACMG Guidelines, 2015. Collection method: clinical testing. Allele origin: germline. Inheritance: Autosomal dominant inheritance. Affected: yes.
Comment: The missense c.12490C>G (p.Gln4164Glu) variant in the SYNE2 gene has not been reported previously as a pathogenic variant nor as a benign variant, to our knowledge. The variant is absent in gnomAD Exomes. The amino acid Glutamine at position 4164 is changed to a Glutamic acid changing protein sequence and it might alter its composition and physico-chemical properties. The variant is predicted as damaging by SIFT. The amino acid change p.Gln4164Glu in SYNE2 is predicted as conserved by GERP++ and PhyloP across 100 vertebrates. For these reasons, this variant has been classified as Uncertain Significance.